The following is an entry in ClinVar:

NM_000368.5(TSC1):c.2018_2019del (p.Ser673fs)

Gene: TSC1 (TSC complex subunit 1; minus strand). Cytogenetic location: 9q34.13.
Variant type: Deletion.
Coding change: c.2018_2019del on transcript NM_000368.5 (MANE Select); coding-DNA positions 2018 to 2019, 2 bases deleted (CT; older notation c.2018_2019delCT).
Protein change: p.Ser673fs; shifts the reading frame from serine 673.
Molecular consequence: frameshift variant. On other transcripts: non-coding transcript variant (5).
Genome position (GRCh38, 1-based): chr9:132,904,433-132,904,434, AG deleted on the plus strand (CT on the coding strand, the reverse complement: TSC1 is on the minus strand); deleting any 2 consecutive bases within chr9:132,904,433-132,904,435 gives the same sequence; the c. name uses the placement nearest the transcript's 3' end. VCF-style (leftmost placement, unchanged base first): chr9-132904432-CAG-C. GRCh37 (hg19) VCF-style: chr9-135779819-CAG-C.
Other names: c.2015_2016del, p.Ser672fs (NM_001406603.1, NM_001406604.1, NM_001406608.1 and 6 more transcripts); c.2018_2019del, p.Ser673fs (NM_001406605.1, NM_001406606.1, NM_001406607.1 and 7 more transcripts); c.1865_1866del, p.Ser622fs (NM_001406610.1, NM_001162427.2); c.1862_1863del, p.Ser621fs (NM_001406611.1, NM_001406612.1, NM_001406613.1); c.1652_1653del, p.Ser551fs (NM_001406622.1, NM_001406623.1, NM_001406625.1 and 2 more transcripts); c.1064_1065del, p.Ser355fs (NM_001406627.1, NM_001406628.1); c.965_966del, p.Ser322fs (NM_001406629.1, NM_001406630.1); c.1655_1656del, p.Ser552fs (NM_001406624.1, NM_001362177.2, NM_001406614.1 and 5 more transcripts); and 1 more; short protein forms S322fs, S355fs, S356fs, S551fs, S621fs, S622fs, S673fs, S552fs.
Identifiers: ClinVar variation 4718567 (VCV004718567.1).

ClinVar aggregate classification (germline): Pathogenic (1 of 4 stars; one submission).

Conditions:
Tuberous sclerosis 1 (TSC1). Identifiers: Orphanet 805, MedGen C1854465, MONDO:0008612, OMIM 191100.

Submission:

Labcorp Genetics (formerly Invitae), Labcorp
Classification: Pathogenic for Tuberous sclerosis 1. Last evaluated: 2025-04-29. Review status: criteria provided, single submitter. Criteria: Invitae Variant Classification Sherloc (09022015). Collection method: clinical testing. Allele origin: germline.
Comment: This sequence change creates a premature translational stop signal (p.Ser673Cysfs*14) in the TSC1 gene. It is expected to result in an absent or disrupted protein product. Loss-of-function variants in TSC1 are known to be pathogenic (PMID: 10227394, 17304050). This variant is not present in population databases (gnomAD no frequency). This variant has not been reported in the literature in individuals affected with TSC1-related conditions. For these reasons, this variant has been classified as Pathogenic.

Literature cited by the submitters: PubMed 10227394; PubMed 17304050.